The following is an entry in ClinVar:

NM_030930.4(UNC93B1):c.135G>A (p.Glu45=)

Genes: UNC93B1 (unc-93B1 regulator of TLR signaling; minus strand), LOC130006235 (ATAC-STARR-seq lymphoblastoid silent region 3653; plus strand). Cytogenetic location: 11q13.2.
Variant type: single nucleotide variant.
Coding change: c.135G>A on transcript NM_030930.4 (MANE Select); coding-DNA position 135, G replaced by A.
Protein change: p.Glu45=; no amino-acid change (glutamic acid 45 retained).
Molecular consequence: synonymous variant.
Genome position (GRCh38, 1-based): chr11:68,003,760, C>T on the plus strand (G>A on the coding strand, the complement: UNC93B1 is on the minus strand). VCF-style: chr11-68003760-C-T. GRCh37 (hg19) VCF-style: chr11-67771230-C-T.
Identifiers: ClinVar variation 470490 (VCV000470490.40), dbSNP rs572359733, ClinGen allele CA6145718.
Genomic context (GRCh38, chr11:68,003,760, plus strand): 5'-CAGCACGTTCTTGAGCACGCCCAGGCGCTTGCGGCGGTAGTAGCGGCGCTCCTCCTCCTC[C>T]TCGTTGTAGTTGGGGTACGCGCCCACCAGCTCGTCCAGCTGCGAGCCACGCACGCCGCTC-3'
Protein context (NP_112192.2, residues 35-55): ELVGAYPNYN[Glu45=]EEEERRYYRR

ClinVar aggregate classification (germline): Likely benign. Review status: criteria provided, multiple submitters, no conflicts (2 of 4 stars). 6 submissions from 6 submitters: Likely benign (4). 2 of the submissions do not count toward it. Last evaluated 2026-06-01.

Conditions:
Encephalopathy, acute, infection-induced (herpes-specific), susceptibility to, 1. Also called: Herpes simplex encephalitis, susceptibility to, 1. Identifiers: Orphanet 1930, MedGen C2750180, MONDO:0024563, OMIM 610551.

Allele frequency attached by ClinVar (database versions not stated): ExAC 0.00027; 1000 Genomes Project 0.00060; gnomAD 0.00119; gnomAD exomes 0.00076 and 0.00148; 1000 Genomes Project 30x 0.00062; TOPMed 0.00082.
gnomAD v4.1: 2,133 of 1,521,130 alleles (0.14%); highest among the groups gnomAD compares: Non-Finnish European, 0.17%; 4 homozygotes.

Submissions (6):

CeGaT Center for Human Genetics Tuebingen
Classification: Likely benign. Last evaluated: 2026-06-01. Review status: criteria provided, single submitter. Criteria: CeGaT Center For Human Genetics Tuebingen Variant Classification Criteria Version 2. Collection method: clinical testing. Allele origin: germline. Affected: yes. Observed: 2 variant alleles.
Comment: UNC93B1: BP4, BP7

Labcorp Genetics (formerly Invitae), Labcorp
Classification: Likely benign for Encephalopathy, acute, infection-induced (herpes-specific), susceptibility to, 1. Last evaluated: 2026-01-23. Review status: criteria provided, single submitter. Criteria: Invitae Variant Classification Sherloc (09022015). Collection method: clinical testing. Allele origin: germline.

Blueprint Genetics
Classification: Likely benign. Last evaluated: 2024-10-22. Review status: criteria provided, single submitter. Criteria: ACMG Guidelines, 2015. Collection method: clinical testing. Allele origin: germline.

Breakthrough Genomics
Classification: Likely benign. Review status: criteria provided, single submitter. Criteria: ACMG Guidelines, 2015. Collection method: not provided. Allele origin: germline. Inheritance: Unknown mechanism. Affected: yes.

Clinical Genetics DNA and cytogenetics Diagnostics Lab, Erasmus MC, Erasmus Medical Center
Classification: Likely benign. Review status: no assertion criteria provided. Collection method: clinical testing. Allele origin: germline. Affected: yes. Study: VKGL Data-share Consensus. Not counted in ClinVar's aggregate classification.

Genome Diagnostics Laboratory, University Medical Center Utrecht
Classification: Likely benign. Review status: no assertion criteria provided. Collection method: clinical testing. Allele origin: germline. Affected: yes. Study: VKGL Data-share Consensus. Not counted in ClinVar's aggregate classification.